The following is an entry in ClinVar:

ClinVar aggregate classification (germline): Uncertain significance. Review status: criteria provided, multiple submitters, no conflicts (2 of 4 stars). 2 submissions from 2 submitters: Uncertain significance (2). Last evaluated 2025-09-08.

Conditions:
Hereditary cancer-predisposing syndrome. Also called: Hereditary Cancer Syndrome; Hereditary neoplastic syndrome; Neoplastic Syndromes, Hereditary; Tumor predisposition. Identifiers: Orphanet 140162, MedGen C0027672, MeSH D009386, MONDO:0015356.
Ataxia-telangiectasia syndrome (AT). Also called: LOUIS-BAR SYNDROME; Cerebello-oculocutaneous telangiectasia; Immunodeficiency with ataxia telangiectasia; Ataxia-telangiectasia, complementation group D; AT, COMPLEMENTATION GROUP C; ATAXIA-TELANGIECTASIA, COMPLEMENTATION GROUP A. Identifiers: Orphanet 100, MedGen C0004135, MONDO:0008840, OMIM 208900.

Submissions (2):

Labcorp Genetics (formerly Invitae), Labcorp
Classification: Uncertain significance for Ataxia-telangiectasia syndrome. Last evaluated: 2025-09-08. Review status: criteria provided, single submitter. Criteria: Invitae Variant Classification Sherloc (09022015). Collection method: clinical testing. Allele origin: germline.
Comment: This sequence change replaces valine, which is neutral and non-polar, with alanine, which is neutral and non-polar, at codon 251 of the ATM protein (p.Val251Ala). This variant is not present in population databases (gnomAD no frequency). This variant has not been reported in the literature in individuals affected with ATM-related conditions. ClinVar contains an entry for this variant (Variation ID: 1332433). Invitae Evidence Modeling of protein sequence and biophysical properties (such as structural, functional, and spatial information, amino acid conservation, physicochemical variation, residue mobility, and thermodynamic stability) indicates that this missense variant is not expected to disrupt ATM protein function with a negative predictive value of 95%. In summary, the available evidence is currently insufficient to determine the role of this variant in disease. Therefore, it has been classified as a Variant of Uncertain Significance.

Color Diagnostics, LLC DBA Color Health
Classification: Uncertain significance for Hereditary cancer-predisposing syndrome. Last evaluated: 2024-03-06. Review status: criteria provided, single submitter. Criteria: ACMG Guidelines, 2015. Collection method: clinical testing. Allele origin: germline.
Comment: This missense variant replaces valine with alanine at codon 251 of the ATM protein. Computational prediction suggests that this variant may not impact protein structure and function (internally defined REVEL score threshold <= 0.5, PMID: 27666373). To our knowledge, functional studies have not been reported for this variant. This variant has not been reported in individuals affected with hereditary cancer in the literature. This variant has not been identified in the general population by the Genome Aggregation Database (gnomAD). The available evidence is insufficient to determine the role of this variant in disease conclusively. Therefore, this variant is classified as a Variant of Uncertain Significance.

NM_000051.4(ATM):c.752T>C (p.Val251Ala)

Gene: ATM (ATM serine/threonine kinase; plus strand). Cytogenetic location: 11q22.3.
Variant type: single nucleotide variant.
Coding change: c.752T>C on transcript NM_000051.4 (MANE Select); coding-DNA position 752, T replaced by C.
Protein change: p.Val251Ala; replaces valine 251 with alanine.
Molecular consequence: missense variant.
Genome position (GRCh38, 1-based): chr11:108,244,877, T>C. VCF-style: chr11-108244877-T-C. GRCh37 (hg19) VCF-style: chr11-108115604-T-C.
Other names: c.752T>C, p.Val251Ala (NM_001351834.2); short protein forms V251A.
Identifiers: ClinVar variation 1332433 (VCV001332433.11), dbSNP rs1591503977, ClinGen allele CA382529273.